The following is an entry in ClinVar:

NM_000038.6(APC):c.1408+1857A>C

Gene: APC (APC regulator of WNT signaling pathway; plus strand). Cytogenetic location: 5q22.2.
Variant type: single nucleotide variant.
Coding change: c.1408+1857A>C on transcript NM_000038.6 (MANE Select); 1857 bases into the intron after coding-DNA position 1408, A replaced by C.
Molecular consequence: intron variant.
Genome position (GRCh38, 1-based): chr5:112,823,848, A>C. VCF-style: chr5-112823848-A-C. GRCh37 (hg19) VCF-style: chr5-112159545-A-C.
Other names: c.1408+1857A>C (NM_001354895.2, NM_001127510.3); c.1438+1857A>C (NM_001354897.2); c.1135+1857A>C (NM_001354902.2); c.1354+1857A>C (NM_001127511.3); c.1333+1857A>C (NM_001354898.2); c.1030+1857A>C (NM_001354904.2); c.559+1857A>C (NM_001354906.2); c.1462+488A>C (NM_001354896.2); and 5 more.
Identifiers: ClinVar variation 83141 (VCV000083141.2), dbSNP rs75491644, ClinGen allele CA004918.

ClinVar aggregate classification (germline): other (0 of 4 stars; one submission).

Conditions:
Familial colorectal cancer. Identifiers: MedGen CN280943, MONDO:0023113. Disease mechanism: loss of function.

Allele frequency attached by ClinVar (database versions not stated): gnomAD 0.01782 and 0.01822; TOPMed 0.02019; 1000 Genomes Project 30x 0.03248; 1000 Genomes Project 0.03255.
gnomAD v4.1: 2,775 of 152,280 alleles (1.8%); highest among the groups gnomAD compares: East Asian, 8%; 33 homozygotes.

Submission:

Systems Biology Platform Zhejiang California International NanoSystems Institute
Classification: other for Familial colorectal cancer. Review status: no assertion criteria provided. Collection method: not provided. Allele origin: unknown.
ClinVar note: Converted during submission from cancer to other.